The following is an entry in ClinVar:

ClinVar aggregate classification (germline): Pathogenic (3 of 4 stars; one submission).

Conditions:
CYP1B1-related glaucoma with or without anterior segment dysgenesis. Identifiers: MedGen CN375931, MONDO:0800472.

Submission:

ClinGen Glaucoma Variant Curation Expert Panel
Classification: Pathogenic for CYP1B1-related glaucoma with or without anterior segment dysgenesis. Last evaluated: 2025-11-19. Review status: reviewed by expert panel. Criteria: ClinGen CYP1B1 ACMG Specifications V1 Approved. Collection method: curation. Allele origin: germline. Inheritance: Autosomal recessive inheritance.
Comment: The c.784G>T variant in CYP1B1 is predicted to cause a change in the length of the protein due to the insertion of a terminating codon instead of the usual Glutamic Acid at amino acid 262 (p.Glu262Ter). This variant was not found in any genetic ancestry group of gnomAD (v4.1), meeting the ≤ 0.0005 threshold set for PM2_Supporting in a genetic ancestry group of at least 2,000 alleles. This nonsense variant was predicted to undergo NMD (PVS1 met). PS3_Supporting was not applied, as although the OddsPath threshold was met (> 2.1), the threshold for abnormal impact on protein function in the assays could not be determined (PMID: 19234632). This variant has been identified in an individual with a CYP1B1-related phenotype (PMID:19234632). This individual is compound heterozygous for the variant and a likely pathogenic variant (phase unknown). Total proband points = 0.5, meeting PM3_Supporting. In summary, this variant met the criteria to receive a score of 10 and to be classified as pathogenic (pathogenic classification ≥ 10, adapted from PMID: 32720330) for CYP1B1-related glaucoma with or without anterior segment dysgenesis (ASD) based on the ACMG/AMP criteria met, as specified by the ClinGen Glaucoma VCEP (v1.0, 06.11.2025): PVS1, PM2_Supporting, PM3_Supporting

NM_000104.4(CYP1B1):c.784G>T (p.Glu262Ter)

Gene: CYP1B1 (cytochrome P450 family 1 subfamily B member 1; minus strand). Cytogenetic location: 2p22.2.
Variant type: single nucleotide variant.
Coding change: c.784G>T on transcript NM_000104.4 (MANE Select); coding-DNA position 784, G replaced by T.
Protein change: p.Glu262Ter; replaces glutamic acid 262 with a stop codon.
Molecular consequence: nonsense.
Genome position (GRCh38, 1-based): chr2:38,074,605, C>A on the plus strand (G>T on the coding strand, the complement: CYP1B1 is on the minus strand). VCF-style: chr2-38074605-C-A. GRCh37 (hg19) VCF-style: chr2-38301748-C-A.
Other names: NM_000104.4:c.784G>T; short protein forms E262*.
Identifiers: ClinVar variation 4530667 (VCV004530667.1).